The following is an entry in ClinVar:

ClinVar aggregate classification (germline): Uncertain significance (1 of 4 stars; one submission).

gnomAD v4.1: 2 of 1,614,062 alleles (0.00012%); highest among the groups gnomAD compares: South Asian, 0.0011%; no homozygotes.

Submission:

GeneDx
Classification: Uncertain significance. Last evaluated: 2024-07-03. Review status: criteria provided, single submitter. Criteria: GeneDx Variant Classification Process June 2021. Collection method: clinical testing. Allele origin: germline. Affected: yes.
Comment: Not observed at significant frequency in large population cohorts (gnomAD); In silico analysis indicates that this missense variant does not alter protein structure/function; Has not been previously published as pathogenic or benign to our knowledge

NM_007118.4(TRIO):c.9208A>G (p.Ile3070Val)

Gene: TRIO (trio Rho guanine nucleotide exchange factor; plus strand). Cytogenetic location: 5p15.2.
Variant type: single nucleotide variant.
Coding change: c.9208A>G on transcript NM_007118.4 (MANE Select); coding-DNA position 9208, A replaced by G.
Protein change: p.Ile3070Val; replaces isoleucine 3070 with valine.
Molecular consequence: missense variant. On other transcripts: non-coding transcript variant (1).
Genome position (GRCh38, 1-based): chr5:14,508,336, A>G. VCF-style: chr5-14508336-A-G. GRCh37 (hg19) VCF-style: chr5-14508445-A-G.
Other names: short protein forms I3070V.
Identifiers: ClinVar variation 3393775 (VCV003393775.1).